The following is an entry in ClinVar:

NM_001001548.3(CD36):c.701+1G>C

Gene: CD36 (CD36 molecule (CD36 blood group); plus strand). Cytogenetic location: 7q21.11.
Variant type: single nucleotide variant.
Coding change: c.701+1G>C on transcript NM_001001548.3 (MANE Select); the canonical splice donor site of the intron after coding-DNA position 701, G replaced by C.
Molecular consequence: splice donor variant.
Genome position (GRCh38, 1-based): chr7:80,664,498, G>C. VCF-style: chr7-80664498-G-C. GRCh37 (hg19) VCF-style: chr7-80293814-G-C.
Other names: c.701+1G>C (NM_001371075.1, NM_001001547.3, NM_001371074.1 and 6 more transcripts); c.236+1G>C (NM_001371081.1, NM_001371080.1); c.473+1G>C (NM_001289911.2); c.599+1G>C (NM_001371079.1); c.521+1G>C (NM_001289909.1).
Identifiers: ClinVar variation 422525 (VCV000422525.2), dbSNP rs1064795836, ClinGen allele CA16618563.

ClinVar aggregate classification (germline): Likely pathogenic (1 of 4 stars; one submission).

Allele frequency attached by ClinVar (database versions not stated): gnomAD exomes below 0.00001; TOPMed 0.00001.
gnomAD v4.1: 1 of 1,480,998 alleles (0.000068%); highest among the groups gnomAD compares: Non-Finnish European, 0.000094%; no homozygotes.

Submission:

GeneDx
Classification: Likely pathogenic. Last evaluated: 2016-10-21. Review status: criteria provided, single submitter. Criteria: GeneDx Variant Classification (06012015). Collection method: clinical testing. Allele origin: germline. Affected: yes.
Comment: The c.701+1G>C variant in the CD36 gene has not been reported previously as a pathogenic variant nor as a benign variant, to our knowledge. This splice site variant destroys the canonical splice donor site in intron 7. It is predicted to cause abnormal gene splicing, either leading to an abnormal message that is subject to nonsense-mediated mRNA decay, or to an abnormal protein product if the message is used for protein translation. The c.701+1G>C variant was not observed in approximately 6,500 individuals of European and African American ancestry in the NHLBI Exome Sequencing Project, indicating it is not a common benign variant in these populations. We interpret c.701+1G>C as a likely pathogenic variant.